The following is an entry in ClinVar:

NM_024642.5(GALNT12):c.1445T>C (p.Met482Thr)

Gene: GALNT12 (polypeptide N-acetylgalactosaminyltransferase 12; plus strand). Cytogenetic location: 9q22.33.
Variant type: single nucleotide variant.
Coding change: c.1445T>C on transcript NM_024642.5 (MANE Select); coding-DNA position 1445, T replaced by C.
Protein change: p.Met482Thr; replaces methionine 482 with threonine.
Molecular consequence: missense variant.
Genome position (GRCh38, 1-based): chr9:98,844,196, T>C. VCF-style: chr9-98844196-T-C. GRCh37 (hg19) VCF-style: chr9-101606478-T-C.
Other names: short protein forms M482T.
Identifiers: ClinVar variation 2566260 (VCV002566260.2), dbSNP rs1163821172, ClinGen allele CA374221538.

ClinVar aggregate classification (germline): Uncertain significance (1 of 4 stars; one submission).

Submission:

Ambry Genetics
Classification: Uncertain significance. Last evaluated: 2023-04-25. Review status: criteria provided, single submitter. Criteria: Ambry Variant Classification Scheme 2023. Collection method: clinical testing. Allele origin: germline.
Comment: The p.M482T variant (also known as c.1445T>C), located in coding exon 8 of the GALNT12 gene, results from a T to C substitution at nucleotide position 1445. The methionine at codon 482 is replaced by threonine, an amino acid with similar properties. This amino acid position is conserved. In addition, this alteration is predicted to be tolerated by in silico analysis. Since supporting evidence is limited at this time, the clinical significance of this alteration remains unclear.